The following is an entry in ClinVar:

NM_000400.4(ERCC2):c.1189C>T (p.Leu397Phe)

Gene: ERCC2 (ERCC excision repair 2, TFIIH core complex helicase subunit; minus strand). Cytogenetic location: 19q13.32.
Variant type: single nucleotide variant.
Coding change: c.1189C>T on transcript NM_000400.4 (MANE Select); coding-DNA position 1189, C replaced by T.
Protein change: p.Leu397Phe; replaces leucine 397 with phenylalanine.
Molecular consequence: missense variant.
Genome position (GRCh38, 1-based): chr19:45,361,572, G>A on the plus strand (C>T on the coding strand, the complement: ERCC2 is on the minus strand). VCF-style: chr19-45361572-G-A. GRCh37 (hg19) VCF-style: chr19-45864830-G-A.
Other names: c.1117C>T, p.Leu373Phe (NM_001130867.2); short protein forms L397F, L373F.
Identifiers: ClinVar variation 1429904 (VCV001429904.5), dbSNP rs1046159317, ClinGen allele CA308964165.

ClinVar aggregate classification (germline): Uncertain significance (1 of 4 stars; one submission).

Allele frequency attached by ClinVar (database versions not stated): TOPMed below 0.00001; gnomAD exomes 0.00001.
gnomAD v4.1: 12 of 1,614,082 alleles (0.00074%); highest among the groups gnomAD compares: Non-Finnish European, 0.001%; no homozygotes.

Submission:

Labcorp Genetics (formerly Invitae), Labcorp
Classification: Uncertain significance. Last evaluated: 2022-07-11. Review status: criteria provided, single submitter. Criteria: Invitae Variant Classification Sherloc (09022015). Collection method: clinical testing. Allele origin: germline.
Comment: This sequence change replaces leucine, which is neutral and non-polar, with phenylalanine, which is neutral and non-polar, at codon 397 of the ERCC2 protein (p.Leu397Phe). This variant is not present in population databases (gnomAD no frequency). This variant has not been reported in the literature in individuals affected with ERCC2-related conditions. ClinVar contains an entry for this variant (Variation ID: 1429904). Algorithms developed to predict the effect of missense changes on protein structure and function are either unavailable or do not agree on the potential impact of this missense change (SIFT: "Deleterious"; PolyPhen-2: "Possibly Damaging"; Align-GVGD: "Class C0"). In summary, the available evidence is currently insufficient to determine the role of this variant in disease. Therefore, it has been classified as a Variant of Uncertain Significance.